The following is an entry in ClinVar:

ClinVar aggregate classification (germline): Uncertain significance. Review status: criteria provided, multiple submitters, no conflicts (2 of 4 stars). 2 submissions from 2 submitters: Uncertain significance (2). Last evaluated 2026-01-27.

Conditions:
RASopathy. Also called: rasopathies; Noonan spectrum disorder. Identifiers: Orphanet 536391, MedGen C5555857, MONDO:0021060.

Submissions (2):

Labcorp Genetics (formerly Invitae), Labcorp
Classification: Uncertain significance for RASopathy. Last evaluated: 2026-01-27. Review status: criteria provided, single submitter. Criteria: Invitae Variant Classification Sherloc (09022015). Collection method: clinical testing. Allele origin: germline.
Comment: This sequence change replaces methionine, which is neutral and non-polar, with threonine, which is neutral and polar, at codon 1001 of the SOS1 protein (p.Met1001Thr). This variant is not present in population databases (gnomAD no frequency). This variant has not been reported in the literature in individuals affected with SOS1-related conditions. ClinVar contains an entry for this variant (Variation ID: 1207391). Invitae Evidence Modeling of protein sequence and biophysical properties (such as structural, functional, and spatial information, amino acid conservation, physicochemical variation, residue mobility, and thermodynamic stability) indicates that this missense variant is not expected to disrupt SOS1 protein function with a negative predictive value of 95%. In summary, the available evidence is currently insufficient to determine the role of this variant in disease. Therefore, it has been classified as a Variant of Uncertain Significance.

GeneDx
Classification: Uncertain significance. Last evaluated: 2019-10-29. Review status: criteria provided, single submitter. Criteria: GeneDx Variant Classification Process June 2021. Collection method: clinical testing. Allele origin: germline. Affected: yes.
Comment: Not observed in large population cohorts (Lek et al., 2016); The majority of missense variants in this gene are considered pathogenic (Stenson et al., 2014); In silico analysis, which includes protein predictors and evolutionary conservation, supports that this variant does not alter protein structure/function; Has not been previously published as pathogenic or benign to our knowledge

NM_005633.4(SOS1):c.3002T>C (p.Met1001Thr)

Gene: SOS1 (SOS Ras/Rac guanine nucleotide exchange factor 1; minus strand). Cytogenetic location: 2p22.1.
Variant type: single nucleotide variant.
Coding change: c.3002T>C on transcript NM_005633.4 (MANE Select); coding-DNA position 3002, T replaced by C.
Protein change: p.Met1001Thr; replaces methionine 1001 with threonine.
Molecular consequence: missense variant.
Genome position (GRCh38, 1-based): chr2:38,997,001, A>G on the plus strand (T>C on the coding strand, the complement: SOS1 is on the minus strand). VCF-style: chr2-38997001-A-G. GRCh37 (hg19) VCF-style: chr2-39224142-A-G.
Other names: c.2981T>C, p.Met994Thr (NM_001382394.1); c.3002T>C, p.Met1001Thr (NM_001382395.1); short protein forms M1001T, M994T.
Identifiers: ClinVar variation 1207391 (VCV001207391.6), dbSNP rs2124478911, ClinGen allele CA346361468.